The following is an entry in ClinVar:

ClinVar aggregate classification (germline): Uncertain significance. Review status: criteria provided, multiple submitters, no conflicts (2 of 4 stars). 2 submissions from 2 submitters: Uncertain significance (2). Last evaluated 2025-06-16.

Conditions:
Autoimmune enteropathy and endocrinopathy - susceptibility to chronic infections syndrome. Also called: Immunodeficiency 31C, autosomal dominant; Immunodeficiency 31C. Identifiers: Orphanet 391487, MedGen C3279990, MONDO:0013599, OMIM 614162.
Immunodeficiency 31B. Also called: STAT1 DEFICIENCY, AUTOSOMAL RECESSIVE; IMMUNODEFICIENCY 31B, MYCOBACTERIAL AND VIRAL INFECTIONS, AUTOSOMAL RECESSIVE. Identifiers: Orphanet 391311, MedGen C3151088, MONDO:0013427, OMIM 613796.

Allele frequency attached by ClinVar (database versions not stated): ExAC 0.00001.
gnomAD v4.1: 2 of 1,613,390 alleles (0.00012%); no homozygotes.

Submissions (2):

3billion
Classification: Uncertain significance for Autoimmune enteropathy and endocrinopathy - susceptibility to chronic infections syndrome. Last evaluated: 2025-06-16. Review status: criteria provided, single submitter. Criteria: ACMG Guidelines, 2015. Collection method: clinical testing. Allele origin: germline. Affected: yes.
Comment: The variant is observed at an extremely low frequency in the gnomAD v4.1.0 dataset (total allele frequency: <0.001%). Predicted Consequence/Location: Missense variant. Missense changes are a common disease-causing mechanism. In silico tool predictions suggest damaging effect of the variant on gene or gene product [3Cnet: 0.86 (> 0.75, sensitivity 0.96 and precision 0.92)]. A different missense change at the same codon (p.Asn179Lys) has been reported to be associated with STAT1-related disorder (ClinVar ID: VCV000144004, VCV003731323 /PMID: 23709754). However the evidence of pathogenicity is insufficient at this time. Therefore, this variant is classified as VUS according to the recommendation of ACMG/AMP guideline.

Mendelics
Classification: Uncertain significance for Immunodeficiency 31B. Last evaluated: 2019-05-28. Review status: criteria provided, single submitter. Criteria: Mendelics Assertion Criteria 2017. Collection method: clinical testing. Allele origin: unknown.

Literature cited by the submitters: PubMed 23709754 (cited by 3billion).

NM_007315.4(STAT1):c.536A>G (p.Asn179Ser)

Gene: STAT1 (signal transducer and activator of transcription 1; minus strand). Cytogenetic location: 2q32.2.
Variant type: single nucleotide variant.
Coding change: c.536A>G on transcript NM_007315.4 (MANE Select); coding-DNA position 536, A replaced by G.
Protein change: p.Asn179Ser; replaces asparagine 179 with serine.
Molecular consequence: missense variant.
Genome position (GRCh38, 1-based): chr2:190,999,631, T>C on the plus strand (A>G on the coding strand, the complement: STAT1 is on the minus strand). VCF-style: chr2-190999631-T-C. GRCh37 (hg19) VCF-style: chr2-191864357-T-C.
Other names: c.536A>G, p.Asn179Ser (NM_001384880.1, NM_001384882.1, NM_001384885.1 and 5 more transcripts); c.542A>G, p.Asn181Ser (NM_001384881.1, NM_001384884.1); c.529A>G, p.Thr177Ala (NM_001384883.1); c.446A>G, p.Asn149Ser (NM_001384890.1); c.572A>G, p.Asn191Ser (NM_001384891.1); short protein forms N179S, N149S, N181S, N191S, T177A.
Identifiers: ClinVar variation 801844 (VCV000801844.2), dbSNP rs774611299, ClinGen allele CA2030214.
Genomic context (GRCh38, chr2:190,999,631, plus strand): 5'-GTGTGAACAGAAAAAATTGCAGCCAACGGGCACCACTTCAGTTGTGAACCCTTACCTCTG[T>C]TCTGCAAGGTTTTGCATTTGAAGTCATATTCATCTTGTAAATCTTCCAGGCTCTTGATTT-3'
Protein context (NP_009330.1, residues 169-189): EYDFKCKTLQ[Asn179Ser]REHETNGVAK